The following is an entry in ClinVar:

NM_033022.4(RPS24):c.155C>A (p.Pro52Gln)

Gene: RPS24 (ribosomal protein S24; plus strand). Cytogenetic location: 10q22.3.
Variant type: single nucleotide variant.
Coding change: c.155C>A on transcript NM_033022.4 (MANE Select); coding-DNA position 155, C replaced by A.
Protein change: p.Pro52Gln; replaces proline 52 with glutamine.
Molecular consequence: missense variant.
Genome position (GRCh38, 1-based): chr10:78,035,596, C>A. VCF-style: chr10-78035596-C-A. GRCh37 (hg19) VCF-style: chr10-79795354-C-A.
Other names: c.155C>A, p.Pro52Gln (NM_001026.5, NM_001142282.2, NM_001142283.2 and 2 more transcripts); short protein forms P52Q.
Identifiers: ClinVar variation 2011228 (VCV002011228.4), dbSNP rs1434042354, ClinGen allele CA377328557.

ClinVar aggregate classification (germline): Uncertain significance (1 of 4 stars; one submission).

Conditions:
Diamond-Blackfan anemia. Also called: Blackfan Diamond syndrome; Aregenerative anemia chronic congenital; Red cell aplasia, pure hereditary; Congenital hypoplastic anemia; Aase syndrome. Identifiers: Orphanet 124, MedGen C1260899, MeSH D029503, MONDO:0015253, HP:0004810.

Submission:

Labcorp Genetics (formerly Invitae), Labcorp
Classification: Uncertain significance for Diamond-Blackfan anemia. Last evaluated: 2022-06-28. Review status: criteria provided, single submitter. Criteria: Invitae Variant Classification Sherloc (09022015). Collection method: clinical testing. Allele origin: germline.
Comment: This variant is not present in population databases (gnomAD no frequency). In summary, the available evidence is currently insufficient to determine the role of this variant in disease. Therefore, it has been classified as a Variant of Uncertain Significance. Algorithms developed to predict the effect of missense changes on protein structure and function are either unavailable or do not agree on the potential impact of this missense change (SIFT: "Deleterious"; PolyPhen-2: "Possibly Damaging"; Align-GVGD: "Class C0"). This variant has not been reported in the literature in individuals affected with RPS24-related conditions. This sequence change replaces proline, which is neutral and non-polar, with glutamine, which is neutral and polar, at codon 52 of the RPS24 protein (p.Pro52Gln).